The following is an entry in ClinVar:

ClinVar aggregate classification (germline): Uncertain significance (1 of 4 stars; one submission).

Submission:

Labcorp Genetics (formerly Invitae), Labcorp
Classification: Uncertain significance. Last evaluated: 2019-08-24. Review status: criteria provided, single submitter. Criteria: Invitae Variant Classification Sherloc (09022015). Collection method: clinical testing. Allele origin: germline.
Comment: This variant is not present in population databases (ExAC no frequency). This variant has not been reported in the literature in individuals with TUBGCP6-related conditions. Algorithms developed to predict the effect of missense changes on protein structure and function are either unavailable or do not agree on the potential impact of this missense change (SIFT: "Tolerated"; PolyPhen-2: "Probably Damaging"; Align-GVGD: "Class C0"). In summary, the available evidence is currently insufficient to determine the role of this variant in disease. Therefore, it has been classified as a Variant of Uncertain Significance. This sequence change replaces glutamic acid with aspartic acid at codon 399 of the TUBGCP6 protein (p.Glu399Asp). The glutamic acid residue is moderately conserved and there is a small physicochemical difference between glutamic acid and aspartic acid.

NM_020461.4(TUBGCP6):c.1197A>T (p.Glu399Asp)

Gene: TUBGCP6 (tubulin gamma complex component 6; minus strand). Cytogenetic location: 22q13.33.
Variant type: single nucleotide variant.
Coding change: c.1197A>T on transcript NM_020461.4 (MANE Select); coding-DNA position 1197, A replaced by T.
Protein change: p.Glu399Asp; replaces glutamic acid 399 with aspartic acid.
Molecular consequence: missense variant.
Genome position (GRCh38, 1-based): chr22:50,229,497, T>A on the plus strand (A>T on the coding strand, the complement: TUBGCP6 is on the minus strand). VCF-style: chr22-50229497-T-A. GRCh37 (hg19) VCF-style: chr22-50667926-T-A.
Other names: short protein forms E399D.
Identifiers: ClinVar variation 933249 (VCV000933249.9), dbSNP rs2064661880, ClinGen allele CA412108648.